The following is an entry in ClinVar:

ClinVar aggregate classification (germline): Pathogenic (1 of 4 stars; one submission).

Conditions:
Nemaline myopathy 2 (NEM2). Also called: Nemaline myopathy 2, autosomal recessive. Identifiers: MedGen C1850569, MONDO:0009725, OMIM 256030.

Submission:

Labcorp Genetics (formerly Invitae), Labcorp
Classification: Pathogenic for Nemaline myopathy 2. Last evaluated: 2022-09-14. Review status: criteria provided, single submitter. Criteria: Invitae Variant Classification Sherloc (09022015). Collection method: clinical testing. Allele origin: germline.
Comment: This sequence change creates a premature translational stop signal (p.Tyr7037*) in the NEB gene. It is expected to result in an absent or disrupted protein product. Loss-of-function variants in NEB are known to be pathogenic (PMID: 25205138). This variant is not present in population databases (gnomAD no frequency). This variant has not been reported in the literature in individuals affected with NEB-related conditions. For these reasons, this variant has been classified as Pathogenic.

Literature cited by the submitters: PubMed 25205138.

NM_001164508.2(NEB):c.21111T>A (p.Tyr7037Ter)

Gene: NEB (nebulin; minus strand). Cytogenetic location: 2q23.3.
Variant type: single nucleotide variant.
Coding change: c.21111T>A on transcript NM_001164508.2 (MANE Select); coding-DNA position 21111, T replaced by A.
Protein change: p.Tyr7037Ter; replaces tyrosine 7037 with a stop codon.
Molecular consequence: nonsense.
Genome position (GRCh38, 1-based): chr2:151,537,228, A>T on the plus strand (T>A on the coding strand, the complement: NEB is on the minus strand). VCF-style: chr2-151537228-A-T. GRCh37 (hg19) VCF-style: chr2-152393742-A-T.
Other names: c.21111T>A, p.Tyr7037Ter (NM_001164507.2, NM_001271208.2); c.16008T>A, p.Tyr5336Ter (NM_004543.5); short protein forms Y5336*, Y7037*.
Identifiers: ClinVar variation 2030427 (VCV002030427.4), dbSNP rs2552149555, ClinGen allele CA348775426.